The following is an entry in ClinVar:

NM_004104.5(FASN):c.6326T>G (p.Phe2109Cys)

Gene: FASN (fatty acid synthase; minus strand). Cytogenetic location: 17q25.3.
Variant type: single nucleotide variant.
Coding change: c.6326T>G on transcript NM_004104.5 (MANE Select); coding-DNA position 6326, T replaced by G.
Protein change: p.Phe2109Cys; replaces phenylalanine 2109 with cysteine.
Molecular consequence: missense variant.
Genome position (GRCh38, 1-based): chr17:82,081,681, A>C on the plus strand (T>G on the coding strand, the complement: FASN is on the minus strand). VCF-style: chr17-82081681-A-C. GRCh37 (hg19) VCF-style: chr17-80039557-A-C.
Other names: short protein forms F2109C.
Identifiers: ClinVar variation 2886502 (VCV002886502.3), dbSNP rs2509829346, ClinGen allele CA401600836.
Genomic context (GRCh38, chr17:82,081,681, plus strand): 5'-TCCACCAGGTCCCGCTGGCTGTCCCTGTCCCTATAGGCCGCAGCCTTCTCAGCCAGCACA[A>C]AGCTGCTCAGGACCATGTGGGGCTGGTTCAGGAAGAGGTCCAGCACCTCCAGGCAGGACG-3'
Protein context (NP_004095.4, residues 2099-2119): LNQPHMVLSS[Phe2109Cys]VLAEKAAAYR

ClinVar aggregate classification (germline): Uncertain significance (1 of 4 stars; one submission).

Conditions:
Epileptic encephalopathy. Identifiers: MedGen C0543888, HP:0200134.

gnomAD v4.1: 2 of 1,612,698 alleles (0.00012%); highest among the groups gnomAD compares: Non-Finnish European, 0.00017%; no homozygotes.

Submission:

Labcorp Genetics (formerly Invitae), Labcorp
Classification: Uncertain significance for Epileptic encephalopathy. Last evaluated: 2025-06-29. Review status: criteria provided, single submitter. Criteria: Invitae Variant Classification Sherloc (09022015). Collection method: clinical testing. Allele origin: germline.
Comment: This sequence change replaces phenylalanine, which is neutral and non-polar, with cysteine, which is neutral and slightly polar, at codon 2109 of the FASN protein (p.Phe2109Cys). This variant is not present in population databases (gnomAD no frequency). This variant has not been reported in the literature in individuals affected with FASN-related conditions. ClinVar contains an entry for this variant (Variation ID: 2886502). An algorithm developed to predict the effect of missense changes on protein structure and function (PolyPhen-2) suggests that this variant is likely to be disruptive. In summary, the available evidence is currently insufficient to determine the role of this variant in disease. Therefore, it has been classified as a Variant of Uncertain Significance.